The following is an entry in ClinVar:

ClinVar aggregate classification (germline): Likely pathogenic (0 of 4 stars; one submission).

Conditions:
Neuronal ceroid lipofuscinosis 1 (CLN1). Also called: CEROID LIPOFUSCINOSIS, NEURONAL, 1, VARIABLE AGE AT ONSET; PPT1-Related Neuronal Ceroid-Lipofuscinosis. Identifiers: Orphanet 228329, MedGen C1850451, MONDO:0009744, OMIM 256730.

gnomAD v4.1: 1 of 1,614,126 alleles (0.000062%); highest among the groups gnomAD compares: Non-Finnish European, 0.000085%; no homozygotes.

Submission:

Juha Muilu Group; Institute for Molecular Medicine Finland (FIMM)
Classification: Likely pathogenic for Ceroid lipofuscinosis neuronal 1. Review status: no assertion criteria provided. Collection method: not provided. Allele origin: unknown.
Comment: FinDis database variant: This variant was not found or characterized by our laboratory, data were collected from public sources: see reference
ClinVar note: Converted during submission from probable-pathogenic to Likely pathogenic.

NM_000310.4(PPT1):c.310A>T (p.Lys104Ter)

Gene: PPT1 (palmitoyl-protein thioesterase 1; minus strand). Cytogenetic location: 1p34.2.
Variant type: single nucleotide variant.
Coding change: c.310A>T on transcript NM_000310.4 (MANE Select); coding-DNA position 310, A replaced by T.
Protein change: p.Lys104Ter; replaces lysine 104 with a stop codon.
Molecular consequence: nonsense. On other transcripts: intron variant (1).
Genome position (GRCh38, 1-based): chr1:40,092,097, T>A on the plus strand (A>T on the coding strand, the complement: PPT1 is on the minus strand). VCF-style: chr1-40092097-T-A. GRCh37 (hg19) VCF-style: chr1-40557769-T-A.
Other names: c.310A>T, p.Lys104Ter (NM_001363695.2); c.125-2585A>T (NM_001142604.2); short protein forms K104*.
Identifiers: ClinVar variation 56189 (VCV000056189.2), dbSNP rs386833641, ClinGen allele CA263496.